The following is an entry in ClinVar:

ClinVar aggregate classification (germline): Uncertain significance (1 of 4 stars; one submission).

Submission:

Ambry Genetics
Classification: Uncertain significance. Last evaluated: 2025-11-28. Review status: criteria provided, single submitter. Criteria: Ambry Variant Classification Scheme 2023. Collection method: clinical testing. Allele origin: germline.
Comment: The p.K457I variant (also known as c.1370A>T), located in coding exon 14 of the SRP72 gene, results from an A to T substitution at nucleotide position 1370. The lysine at codon 457 is replaced by isoleucine, an amino acid with dissimilar properties. This amino acid position is conserved. In addition, the in silico prediction for this alteration is inconclusive. Based on the available evidence, the clinical significance of this variant remains unclear.

NM_006947.4(SRP72):c.1370A>T (p.Lys457Ile)

Gene: SRP72 (signal recognition particle 72; plus strand). Cytogenetic location: 4q12.
Variant type: single nucleotide variant.
Coding change: c.1370A>T on transcript NM_006947.4 (MANE Select); coding-DNA position 1370, A replaced by T.
Protein change: p.Lys457Ile; replaces lysine 457 with isoleucine.
Molecular consequence: missense variant. On other transcripts: non-coding transcript variant (1).
Genome position (GRCh38, 1-based): chr4:56,490,382, A>T. VCF-style: chr4-56490382-A-T. GRCh37 (hg19) VCF-style: chr4-57356548-A-T.
Other names: c.1187A>T, p.Lys396Ile (NM_001267722.2); short protein forms K457I, K396I.
Identifiers: ClinVar variation 4589635 (VCV004589635.1).